The following is an entry in ClinVar:

ClinVar aggregate classification (germline): Uncertain significance (1 of 4 stars; one submission).

gnomAD v4.1: 1 of 1,551,576 alleles (0.000064%); highest among the groups gnomAD compares: Non-Finnish European, 0.000087%; no homozygotes.

Submission:

Labcorp Genetics (formerly Invitae), Labcorp
Classification: Uncertain significance. Last evaluated: 2025-09-02. Review status: criteria provided, single submitter. Criteria: Invitae Variant Classification Sherloc (09022015). Collection method: clinical testing. Allele origin: germline.
Comment: This sequence change replaces isoleucine, which is neutral and non-polar, with valine, which is neutral and non-polar, at codon 1078 of the IGF1R protein (p.Ile1078Val). This variant is present in population databases (no rsID available, gnomAD 0.002%). This variant has not been reported in the literature in individuals affected with IGF1R-related conditions. Invitae Evidence Modeling of protein sequence and biophysical properties (such as structural, functional, and spatial information, amino acid conservation, physicochemical variation, residue mobility, and thermodynamic stability) indicates that this missense variant is not expected to disrupt IGF1R protein function with a negative predictive value of 80%. In summary, the available evidence is currently insufficient to determine the role of this variant in disease. Therefore, it has been classified as a Variant of Uncertain Significance.

NM_000875.5(IGF1R):c.3232A>G (p.Ile1078Val)

Gene: IGF1R (insulin like growth factor 1 receptor; plus strand). Cytogenetic location: 15q26.3.
Variant type: single nucleotide variant.
Coding change: c.3232A>G on transcript NM_000875.5 (MANE Select); coding-DNA position 3232, A replaced by G.
Protein change: p.Ile1078Val; replaces isoleucine 1078 with valine.
Molecular consequence: missense variant.
Genome position (GRCh38, 1-based): chr15:98,935,361, A>G. VCF-style: chr15-98935361-A-G. GRCh37 (hg19) VCF-style: chr15-99478590-A-G.
Other names: c.3229A>G, p.Ile1077Val (NM_001291858.2); short protein forms I1077V, I1078V.
Identifiers: ClinVar variation 4704656 (VCV004704656.1).
Genomic context (GRCh38, chr15:98,935,361, plus strand): 5'-TTTGATTCCTCCCAGGTGCGATTGCTGGGTGTGGTGTCCCAAGGCCAGCCAACACTGGTC[A>G]TCATGGAACTGATGACACGGGGCGATCTCAAAAGTTATCTCCGGTCTCTGAGGCCAGAAA-3'
Protein context (NP_000866.1, residues 1068-1088): VVSQGQPTLV[Ile1078Val]MELMTRGDLK